The following is an entry in ClinVar:

NM_002474.3(MYH11):c.4685A>T (p.Lys1562Ile)

Genes: MYH11 (myosin heavy chain 11; minus strand), NDE1 (nudE neurodevelopment protein 1; plus strand). Cytogenetic location: 16p13.11.
Variant type: single nucleotide variant.
Coding change: c.4685A>T on transcript NM_002474.3 (MANE Select); coding-DNA position 4685, A replaced by T.
Protein change: p.Lys1562Ile; replaces lysine 1562 with isoleucine.
Molecular consequence: missense variant. On other transcripts: intron variant (2).
Genome position (GRCh38, 1-based): chr16:15,720,945, T>A on the plus strand (A>T on the coding strand, the complement: MYH11 is on the minus strand). VCF-style: chr16-15720945-T-A. GRCh37 (hg19) VCF-style: chr16-15814802-T-A.
Other names: c.4706A>T, p.Lys1569Ile (NM_001040113.2, NM_001040114.2); c.4685A>T, p.Lys1562Ile (NM_022844.3); c.948-3246T>A (NM_001143979.2, NM_017668.3); short protein forms K1562I, K1569I.
Identifiers: ClinVar variation 1718200 (VCV001718200.5), dbSNP rs1019265305, ClinGen allele CA394854033.

ClinVar aggregate classification (germline): Uncertain significance (1 of 4 stars; one submission).

Conditions:
Aortic aneurysm, familial thoracic 4 (AAT4). Also called: AORTIC ANEURYSM/AORTIC DISSECTION AND PATENT DUCTUS ARTERIOSUS. Identifiers: MedGen C1851504, MONDO:0007568, OMIM 132900.

Submission:

Labcorp Genetics (formerly Invitae), Labcorp
Classification: Uncertain significance for Aortic aneurysm, familial thoracic 4. Last evaluated: 2022-09-23. Review status: criteria provided, single submitter. Criteria: Invitae Variant Classification Sherloc (09022015). Collection method: clinical testing. Allele origin: germline.
Comment: In summary, the available evidence is currently insufficient to determine the role of this variant in disease. Therefore, it has been classified as a Variant of Uncertain Significance. Advanced modeling of protein sequence and biophysical properties (such as structural, functional, and spatial information, amino acid conservation, physicochemical variation, residue mobility, and thermodynamic stability) performed at Invitae indicates that this missense variant is not expected to disrupt MYH11 protein function. This variant has not been reported in the literature in individuals affected with MYH11-related conditions. This variant is not present in population databases (gnomAD no frequency). This sequence change replaces lysine, which is basic and polar, with isoleucine, which is neutral and non-polar, at codon 1569 of the MYH11 protein (p.Lys1569Ile).